The following is an entry in ClinVar:

ClinVar aggregate classification (germline): Benign (1 of 4 stars; one submission).

Conditions:
Majeed syndrome (MJDS). Also called: CHRONIC RECURRENT MULTIFOCAL OSTEOMYELITIS 1, WITH CONGENITAL DYSERYTHROPOIETIC ANEMIA, WITH OR WITHOUT NEUTROPHILIC DERMATOSIS; LPIN2-Related Majeed Syndrome. Identifiers: Orphanet 77297, MedGen C1864997, MONDO:0012316, OMIM 609628.

Allele frequency attached by ClinVar (database versions not stated): gnomAD 0.00807 and 0.00863; TOPMed 0.00934; 1000 Genomes Project 0.00998; 1000 Genomes Project 30x 0.01171.

Submission:

Illumina Laboratory Services, Illumina
Classification: Benign for Majeed syndrome. Last evaluated: 2018-01-12. Review status: criteria provided, single submitter. Criteria: ICSL Variant Classification Criteria 13 December 2019. Collection method: clinical testing. Allele origin: germline.
Comment: This variant was observed in the ICSL laboratory as part of a predisposition screen in an ostensibly healthy population. It had not been previously curated by ICSL or reported in the Human Gene Mutation Database (HGMD: prior to June 1st, 2018), and was therefore a candidate for classification through an automated scoring system. Utilizing variant allele frequency, disease prevalence and penetrance estimates, and inheritance mode, an automated score was calculated to assess if this variant is too frequent to cause the disease. Based on the score and internal cut-off values, a variant classified as benign is not then subjected to further curation. The score for this variant resulted in a classification of benign for this disease.

NM_001375808.2(LPIN2):c.*1691A>G

Gene: LPIN2 (lipin 2; minus strand). Cytogenetic location: 18p11.31.
Variant type: single nucleotide variant.
Coding change: c.*1691A>G on transcript NM_001375808.2 (MANE Select); 1691 bases downstream of the stop codon, A replaced by G.
Molecular consequence: 3 prime UTR variant.
Genome position (GRCh38, 1-based): chr18:2,918,602, T>C on the plus strand (A>G on the coding strand, the complement: LPIN2 is on the minus strand). VCF-style: chr18-2918602-T-C. GRCh37 (hg19) VCF-style: chr18-2918600-T-C.
Other names: c.*1691A>G (NM_001375809.1, NM_014646.2).
Identifiers: ClinVar variation 326579 (VCV000326579.5), dbSNP rs112588494, ClinGen allele CA10650648.